The following is an entry in ClinVar:

ClinVar aggregate classification (germline): Uncertain significance. Review status: criteria provided, multiple submitters, no conflicts (2 of 4 stars). 3 submissions from 3 submitters: Uncertain significance (2). 1 of the submissions does not count toward it. Last evaluated 2024-01-10.

Conditions:
Medium-chain acyl-coenzyme A dehydrogenase deficiency (ACADMD). Also called: MCAD Deficiency; MCADH DEFICIENCY; Medium chain acyl-CoA dehydrogenase deficiency; MCADD; ACADM DEFICIENCY; CARNITINE DEFICIENCY SECONDARY TO MEDIUM-CHAIN ACYL-CoA DEHYDROGENASE DEFICIENCY. Identifiers: Orphanet 42, MedGen C0220710, MONDO:0008721, OMIM 201450.

Allele frequency attached by ClinVar (database versions not stated): TOPMed below 0.00001.
gnomAD v4.1: 1 of 1,611,040 alleles (0.000062%); highest among the groups gnomAD compares: Admixed American, 0.0017%; no homozygotes.

Submissions (3):

Labcorp Genetics (formerly Invitae), Labcorp
Classification: Uncertain significance for Medium-chain acyl-coenzyme A dehydrogenase deficiency. Last evaluated: 2024-01-10. Review status: criteria provided, single submitter. Criteria: Invitae Variant Classification Sherloc (09022015). Collection method: clinical testing. Allele origin: germline.
Comment: This sequence change replaces glycine, which is neutral and non-polar, with tryptophan, which is neutral and slightly polar, at codon 129 of the ACADM protein (p.Gly129Trp). This variant is not present in population databases (gnomAD no frequency). This missense change has been observed in individual(s) with clinical features of ACADM-related conditions (Invitae). ClinVar contains an entry for this variant (Variation ID: 281015). An algorithm developed to predict the effect of missense changes on protein structure and function (PolyPhen-2) suggests that this variant is likely to be disruptive. This variant disrupts the p.Gly129 amino acid residue in ACADM. Other variant(s) that disrupt this residue have been observed in individuals with ACADM-related conditions (PMID: 33841490; Invitae), which suggests that this may be a clinically significant amino acid residue. In summary, the available evidence is currently insufficient to determine the role of this variant in disease. Therefore, it has been classified as a Variant of Uncertain Significance.

Eurofins Ntd Llc (ga)
Classification: Uncertain significance. Last evaluated: 2015-09-14. Review status: criteria provided, single submitter. Criteria: EGL Classification Definitions 2015. Collection method: clinical testing. Allele origin: germline. Observed: 2 variant alleles, 2 heterozygotes.

Natera, Inc.
Classification: Uncertain significance for Medium-chain acyl-coenzyme a dehydrogenase deficiency. Last evaluated: 2020-09-16. Review status: no assertion criteria provided. Collection method: clinical testing. Allele origin: germline. Not counted in ClinVar's aggregate classification.

Literature cited by the submitters: PubMed 33841490 (cited by Labcorp Genetics (formerly Invitae), Labcorp).

NM_000016.6(ACADM):c.385G>T (p.Gly129Trp)

Gene: ACADM (acyl-CoA dehydrogenase medium chain; plus strand). Cytogenetic location: 1p31.1.
Variant type: single nucleotide variant.
Coding change: c.385G>T on transcript NM_000016.6 (MANE Select); coding-DNA position 385, G replaced by T.
Protein change: p.Gly129Trp; replaces glycine 129 with tryptophan.
Molecular consequence: missense variant. On other transcripts: intron variant (1).
Genome position (GRCh38, 1-based): chr1:75,733,626, G>T. VCF-style: chr1-75733626-G-T. GRCh37 (hg19) VCF-style: chr1-76199311-G-T.
Other names: c.397G>T, p.Gly133Trp (NM_001127328.3); c.277G>T, p.Gly93Trp (NM_001286042.2); c.484G>T, p.Gly162Trp (NM_001286043.2); c.-100+704G>T (NM_001286044.2); short protein forms G129W, G133W, G162W, G93W.
Identifiers: ClinVar variation 281015 (VCV000281015.12), dbSNP rs886042076, ClinGen allele CA10603782.